The following is an entry in ClinVar:

ClinVar aggregate classification (germline): Uncertain significance (1 of 4 stars; one submission).

Submission:

Labcorp Genetics (formerly Invitae), Labcorp
Classification: Uncertain significance. Last evaluated: 2025-02-20. Review status: criteria provided, single submitter. Criteria: Invitae Variant Classification Sherloc (09022015). Collection method: clinical testing. Allele origin: germline.
Comment: This sequence change replaces histidine, which is basic and polar, with aspartic acid, which is acidic and polar, at codon 633 of the CACNA1G protein (p.His633Asp). This variant is not present in population databases (gnomAD no frequency). This variant has not been reported in the literature in individuals affected with CACNA1G-related conditions. Invitae Evidence Modeling of protein sequence and biophysical properties (such as structural, functional, and spatial information, amino acid conservation, physicochemical variation, residue mobility, and thermodynamic stability) indicates that this missense variant is not expected to disrupt CACNA1G protein function with a negative predictive value of 95%. In summary, the available evidence is currently insufficient to determine the role of this variant in disease. Therefore, it has been classified as a Variant of Uncertain Significance.

NM_018896.5(CACNA1G):c.1897C>G (p.His633Asp)

Gene: CACNA1G (calcium voltage-gated channel subunit alpha1 G; plus strand). Cytogenetic location: 17q21.33.
Variant type: single nucleotide variant.
Coding change: c.1897C>G on transcript NM_018896.5 (MANE Select); coding-DNA position 1897, C replaced by G.
Protein change: p.His633Asp; replaces histidine 633 with aspartic acid.
Molecular consequence: missense variant. On other transcripts: non-coding transcript variant (5).
Genome position (GRCh38, 1-based): chr17:50,576,299, C>G. VCF-style: chr17-50576299-C-G. GRCh37 (hg19) VCF-style: chr17-48653660-C-G.
Other names: c.1897C>G, p.His633Asp (NM_001256324.2, NM_001256325.2, NM_001256326.2 and 24 more transcripts); short protein forms H633D.
Identifiers: ClinVar variation 4800903 (VCV004800903.1).
Genomic context (GRCh38, chr17:50,576,299, plus strand): 5'-AGCTCTGGGCCCCCAACCCTCACCAGCCTCAACATCCCACCCGGGCCCTACAGCTCCATG[C>G]ACAAGCTGCTGGAGACACAGAGTACAGGTGAGAACTCTGGGTGGAGGCATGTGGGTGCCC-3'
Protein context (NP_061496.2, residues 623-643): NIPPGPYSSM[His633Asp]KLLETQSTGA